The following is an entry in ClinVar:

NM_198076.6(COX20):c.298T>G (p.Leu100Val)

Gene: COX20 (cytochrome c oxidase assembly factor COX20; plus strand). Cytogenetic location: 1q44.
Variant type: single nucleotide variant.
Coding change: c.298T>G on transcript NM_198076.6 (MANE Select); coding-DNA position 298, T replaced by G.
Protein change: p.Leu100Val; replaces leucine 100 with valine.
Molecular consequence: missense variant. On other transcripts: 3 prime UTR variant (1), non-coding transcript variant (3).
Genome position (GRCh38, 1-based): chr1:244,843,117, T>G. VCF-style: chr1-244843117-T-G. GRCh37 (hg19) VCF-style: chr1-245006419-T-G.
Other names: c.298T>G, p.Leu100Val (NM_001312871.1); c.334T>G, p.Leu112Val (NM_001312872.1); c.163T>G, p.Leu55Val (NM_001312873.1); c.*108T>G (NM_001312874.1); short protein forms L112V, L55V, L100V.
Identifiers: ClinVar variation 2191163 (VCV002191163.4), dbSNP rs923502888, ClinGen allele CA40492638.

ClinVar aggregate classification (germline): Uncertain significance (1 of 4 stars; one submission).

gnomAD v4.1: 6 of 1,600,588 alleles (0.00037%); highest among the groups gnomAD compares: Middle Eastern, 0.017%; no homozygotes.

Submission:

Labcorp Genetics (formerly Invitae), Labcorp
Classification: Uncertain significance. Last evaluated: 2022-06-12. Review status: criteria provided, single submitter. Criteria: Invitae Variant Classification Sherloc (09022015). Collection method: clinical testing. Allele origin: germline.
Comment: In summary, the available evidence is currently insufficient to determine the role of this variant in disease. Therefore, it has been classified as a Variant of Uncertain Significance. Algorithms developed to predict the effect of missense changes on protein structure and function (SIFT, PolyPhen-2, Align-GVGD) all suggest that this variant is likely to be tolerated. This variant has not been reported in the literature in individuals affected with COX20-related conditions. The frequency data for this variant in the population databases is considered unreliable, as metrics indicate poor data quality at this position in the gnomAD database. This sequence change replaces leucine, which is neutral and non-polar, with valine, which is neutral and non-polar, at codon 100 of the COX20 protein (p.Leu100Val).